The following is an entry in ClinVar:

NM_015465.5(GEMIN5):c.3166G>T (p.Ala1056Ser)

Gene: GEMIN5 (gem nuclear organelle associated protein 5; minus strand). Cytogenetic location: 5q33.2.
Variant type: single nucleotide variant.
Coding change: c.3166G>T on transcript NM_015465.5 (MANE Select); coding-DNA position 3166, G replaced by T.
Protein change: p.Ala1056Ser; replaces alanine 1056 with serine.
Molecular consequence: missense variant.
Genome position (GRCh38, 1-based): chr5:154,898,619, C>A on the plus strand (G>T on the coding strand, the complement: GEMIN5 is on the minus strand). VCF-style: chr5-154898619-C-A. GRCh37 (hg19) VCF-style: chr5-154278179-C-A.
Other names: c.3163G>T, p.Ala1055Ser (NM_001252156.2); short protein forms A1055S, A1056S.
Identifiers: ClinVar variation 3366062 (VCV003366062.1).

ClinVar aggregate classification (germline): Uncertain significance (1 of 4 stars; one submission).

gnomAD v4.1: 4 of 1,613,784 alleles (0.00025%); highest among the groups gnomAD compares: African/African-American, 0.004%; no homozygotes.

Submission:

GeneDx
Classification: Uncertain significance. Last evaluated: 2023-10-17. Review status: criteria provided, single submitter. Criteria: GeneDx Variant Classification Process June 2021. Collection method: clinical testing. Allele origin: germline. Affected: yes.
Comment: Not observed at significant frequency in large population cohorts (gnomAD); In silico analysis supports that this missense variant does not alter protein structure/function; Has not been previously published as pathogenic or benign to our knowledge